The following is an entry in ClinVar:

NM_030957.4(ADAMTS10):c.614G>A (p.Arg205Gln)

Gene: ADAMTS10 (ADAM metallopeptidase with thrombospondin type 1 motif 10; minus strand). Cytogenetic location: 19p13.2.
Variant type: single nucleotide variant.
Coding change: c.614G>A on transcript NM_030957.4 (MANE Select); coding-DNA position 614, G replaced by A.
Protein change: p.Arg205Gln; replaces arginine 205 with glutamine.
Molecular consequence: missense variant.
Genome position (GRCh38, 1-based): chr19:8,601,124, C>T on the plus strand (G>A on the coding strand, the complement: ADAMTS10 is on the minus strand). VCF-style: chr19-8601124-C-T. GRCh37 (hg19) VCF-style: chr19-8666008-C-T.
Other names: short protein forms R205Q.
Identifiers: ClinVar variation 1405080 (VCV001405080.3), dbSNP rs782334696, ClinGen allele CA9160764.

ClinVar aggregate classification (germline): Uncertain significance (1 of 4 stars; one submission).

Allele frequency attached by ClinVar (database versions not stated): gnomAD exomes 0.00001 and 0.00003; gnomAD 0.00002; TOPMed 0.00003; ExAC 0.00004.
gnomAD v4.1: 24 of 1,613,818 alleles (0.0015%); highest among the groups gnomAD compares: Middle Eastern, 0.017%; no homozygotes.

Submission:

Labcorp Genetics (formerly Invitae), Labcorp
Classification: Uncertain significance. Last evaluated: 2021-11-13. Review status: criteria provided, single submitter. Criteria: Invitae Variant Classification Sherloc (09022015). Collection method: clinical testing. Allele origin: germline.
Comment: This sequence change replaces arginine, which is basic and polar, with glutamine, which is neutral and polar, at codon 205 of the ADAMTS10 protein (p.Arg205Gln). This variant is present in population databases (rs782334696, gnomAD 0.01%). This variant has not been reported in the literature in individuals affected with ADAMTS10-related conditions. Algorithms developed to predict the effect of missense changes on protein structure and function (SIFT, PolyPhen-2, Align-GVGD) all suggest that this variant is likely to be tolerated. In summary, the available evidence is currently insufficient to determine the role of this variant in disease. Therefore, it has been classified as a Variant of Uncertain Significance.